The following is an entry in ClinVar:

ClinVar aggregate classification (germline): Uncertain significance. Review status: criteria provided, multiple submitters, no conflicts (2 of 4 stars). 4 submissions from 4 submitters: Uncertain significance (4). Last evaluated 2025-09-13.

Conditions:
Combined oxidative phosphorylation defect type 14. Also called: Combined oxidative phosphorylation deficiency 14. Identifiers: Orphanet 319519, MedGen C4755312, MONDO:0013986, OMIM 614946.
Inborn genetic diseases. Identifiers: MedGen C0950123, MeSH D030342.

Allele frequency attached by ClinVar (database versions not stated): gnomAD 0.00001; gnomAD exomes 0.00001 and 0.00002.
gnomAD v4.1: 19 of 1,614,060 alleles (0.0012%); highest among the groups gnomAD compares: Middle Eastern, 0.082%; 1 homozygote.

Submissions (4):

Labcorp Genetics (formerly Invitae), Labcorp
Classification: Uncertain significance for Combined oxidative phosphorylation defect type 14. Last evaluated: 2025-09-13. Review status: criteria provided, single submitter. Criteria: Invitae Variant Classification Sherloc (09022015). Collection method: clinical testing. Allele origin: germline.
Comment: This sequence change replaces threonine, which is neutral and polar, with alanine, which is neutral and non-polar, at codon 121 of the FARS2 protein (p.Thr121Ala). This variant is present in population databases (no rsID available, gnomAD 0.003%). This variant has not been reported in the literature in individuals affected with FARS2-related conditions. ClinVar contains an entry for this variant (Variation ID: 374426). Invitae Evidence Modeling of protein sequence and biophysical properties (such as structural, functional, and spatial information, amino acid conservation, physicochemical variation, residue mobility, and thermodynamic stability) indicates that this missense variant is expected to disrupt FARS2 protein function with a positive predictive value of 95%. In summary, the available evidence is currently insufficient to determine the role of this variant in disease. Therefore, it has been classified as a Variant of Uncertain Significance.

Ambry Genetics
Classification: Uncertain significance for Inborn genetic diseases. Last evaluated: 2025-01-20. Review status: criteria provided, single submitter. Criteria: Ambry Variant Classification Scheme 2023. Collection method: clinical testing. Allele origin: germline.

Blueprint Genetics
Classification: Uncertain significance. Last evaluated: 2024-07-01. Review status: criteria provided, single submitter. Criteria: ACMG Guidelines, 2015. Collection method: clinical testing. Allele origin: germline.

CeGaT Center for Human Genetics Tuebingen
Classification: Uncertain significance. Last evaluated: 2016-08-01. Review status: criteria provided, single submitter. Criteria: CeGaT Center For Human Genetics Tuebingen Variant Classification Criteria Version 2. Collection method: clinical testing. Allele origin: germline. Affected: yes. Observed: 1 variant allele.

NM_006567.5(FARS2):c.361A>G (p.Thr121Ala)

Genes: FARS2 (phenylalanyl-tRNA synthetase 2, mitochondrial; plus strand), LOC126859565 (CDK7 strongly-dependent group 2 enhancer GRCh37_chr6:5368745-5369944; plus strand). Cytogenetic location: 6p25.1.
Variant type: single nucleotide variant.
Coding change: c.361A>G on transcript NM_006567.5 (MANE Select); coding-DNA position 361, A replaced by G.
Protein change: p.Thr121Ala; replaces threonine 121 with alanine.
Molecular consequence: missense variant. On other transcripts: intron variant (2).
Genome position (GRCh38, 1-based): chr6:5,368,931, A>G. VCF-style: chr6-5368931-A-G. GRCh37 (hg19) VCF-style: chr6-5369164-A-G.
Other names: c.361A>G, p.Thr121Ala (NM_001318872.2, NM_001374875.1, NM_001374876.1 and 5 more transcripts); c.-340-27702A>G (NM_001375260.1); c.-84-35611A>G (NM_001375259.1); c.361A>G (NM_006567.3); short protein forms T121A.
Identifiers: ClinVar variation 374426 (VCV000374426.50), dbSNP rs1057519095, ClinGen allele CA16043730.